The following is an entry in ClinVar:

NM_002972.4(SBF1):c.4927C>T (p.Pro1643Ser)

Gene: SBF1 (SET binding factor 1; minus strand). Cytogenetic location: 22q13.33.
Variant type: single nucleotide variant.
Coding change: c.4927C>T on transcript NM_002972.4 (MANE Select); coding-DNA position 4927, C replaced by T.
Protein change: p.Pro1643Ser; replaces proline 1643 with serine.
Molecular consequence: missense variant.
Genome position (GRCh38, 1-based): chr22:50,454,628, G>A on the plus strand (C>T on the coding strand, the complement: SBF1 is on the minus strand). VCF-style: chr22-50454628-G-A. GRCh37 (hg19) VCF-style: chr22-50893057-G-A.
Other names: c.4852C>T, p.Pro1618Ser (NM_001365819.1); c.4930C>T, p.Pro1644Ser (NM_001410794.1); c.4849C>T, p.Pro1617Ser (NM_001410795.1); c.4927C>T, p.Pro1643Ser (NM_197971.1); short protein forms P1643S, P1618S, P1644S, P1617S.
Identifiers: ClinVar variation 2045489 (VCV002045489.1), dbSNP rs202049257, ClinGen allele CA325527898.

ClinVar aggregate classification (germline): Uncertain significance (1 of 4 stars; one submission).

gnomAD v4.1: 22 of 1,602,496 alleles (0.0014%); highest among the groups gnomAD compares: Non-Finnish European, 0.0017%; no homozygotes.

Submission:

Labcorp Genetics (formerly Invitae), Labcorp
Classification: Uncertain significance. Last evaluated: 2022-01-16. Review status: criteria provided, single submitter. Criteria: Invitae Variant Classification Sherloc (09022015). Collection method: clinical testing. Allele origin: germline.
Comment: This sequence change replaces proline, which is neutral and non-polar, with serine, which is neutral and polar, at codon 1643 of the SBF1 protein (p.Pro1643Ser). This variant is not present in population databases (gnomAD no frequency). This variant has not been reported in the literature in individuals affected with SBF1-related conditions. Algorithms developed to predict the effect of missense changes on protein structure and function (SIFT, PolyPhen-2, Align-GVGD) all suggest that this variant is likely to be tolerated. In summary, the available evidence is currently insufficient to determine the role of this variant in disease. Therefore, it has been classified as a Variant of Uncertain Significance.